The following is an entry in ClinVar:

NM_002303.6(LEPR):c.82A>G (p.Ile28Val)

Gene: LEPR (leptin receptor; plus strand). Cytogenetic location: 1p31.3.
Variant type: single nucleotide variant.
Coding change: c.82A>G on transcript NM_002303.6 (MANE Select); coding-DNA position 82, A replaced by G.
Protein change: p.Ile28Val; replaces isoleucine 28 with valine.
Molecular consequence: missense variant.
Genome position (GRCh38, 1-based): chr1:65,570,514, A>G. VCF-style: chr1-65570514-A-G. GRCh37 (hg19) VCF-style: chr1-66036197-A-G.
Other names: NC_000001.10:g.66036197A>G; c.82A>G, p.Ile28Val (NM_001003679.3, NM_001003680.3, NM_001198687.2 and 2 more transcripts); short protein forms I28V.
Identifiers: ClinVar variation 2443479 (VCV002443479.3), dbSNP rs369475236, ClinGen allele CA894463.

ClinVar aggregate classification (germline): Uncertain significance. Review status: criteria provided, multiple submitters, no conflicts (2 of 4 stars). 2 submissions from 2 submitters: Uncertain significance (2). Last evaluated 2026-07-12.

Conditions:
LEPR-related disorder. Also called: LEPR-related condition; LEPR-related disorders.

Allele frequency attached by ClinVar (database versions not stated): gnomAD exomes 0.00001; ExAC 0.00003; gnomAD 0.00005; ESP Exome Variant Server 0.00008; TOPMed 0.00009.
gnomAD v4.1: 24 of 1,613,792 alleles (0.0015%); highest among the groups gnomAD compares: African/African-American, 0.02%; no homozygotes.

Submissions (3):

PreventionGenetics, part of Exact Sciences
Classification: Uncertain significance for LEPR-related condition. Last evaluated: 2026-07-12. Review status: criteria provided, single submitter. Criteria: ACMG Guidelines, 2015. Collection method: clinical testing. Allele origin: germline.
Comment: The LEPR c.82A>G variant is predicted to result in the amino acid substitution p.Ile28Val. This variant was observed in a cohort of individuals with obesity, and in vitro functional studies showed this variant did not reduce protein function and could cause increased function (Supplemental Data Set, Shah et al. 2023. PubMed ID: 36864747). This variant is reported in 0.024% of alleles in individuals of African descent in gnomAD. At this time, the clinical significance of this variant is uncertain due to the absence of conclusive functional and genetic evidence.

GeneDx
Classification: Uncertain significance. Last evaluated: 2022-09-08. Review status: criteria provided, single submitter. Criteria: GeneDx Variant Classification Process June 2021. Collection method: clinical testing. Allele origin: germline. Affected: yes.
Comment: In silico analysis supports that this missense variant does not alter protein structure/function; In silico analysis supports a deleterious effect on splicing; Has not been previously published as pathogenic or benign to our knowledge

Dr. Peter K. Rogan Lab, Western University
No classification provided (evidence only). Condition: Clear cell carcinoma of kidney. Review status: no classification provided. Collection method: in vitro. Allele origin: not applicable. Functional consequence: retained intron. Not counted in ClinVar's aggregate classification.